The following is an entry in ClinVar:

NM_001369268.1(ACAN):c.7535A>G (p.Tyr2512Cys)

Gene: ACAN (aggrecan; plus strand). Cytogenetic location: 15q26.1.
Variant type: single nucleotide variant.
Coding change: c.7535A>G on transcript NM_001369268.1 (MANE Select); coding-DNA position 7535, A replaced by G.
Protein change: p.Tyr2512Cys; replaces tyrosine 2512 with cysteine.
Molecular consequence: missense variant. On other transcripts: intron variant (1).
Genome position (GRCh38, 1-based): chr15:88,873,929, A>G. VCF-style: chr15-88873929-A-G. GRCh37 (hg19) VCF-style: chr15-89417160-A-G.
Other names: c.7307A>G, p.Tyr2436Cys (NM_001411096.1); c.7421A>G, p.Tyr2474Cys (NM_001411097.1, NM_013227.4); c.7220-476A>G (NM_001135.4); short protein forms Y2474C, Y2436C, Y2512C.
Identifiers: ClinVar variation 2773226 (VCV002773226.3), dbSNP rs2505392475, ClinGen allele CA393731205.
Genomic context (GRCh38, chr15:88,873,929, plus strand): 5'-AGCATGCCAGGACCTTCGGGCAGAAGAAGGACCGGTATGAGATCAATTCCCTGGTGCGGT[A>G]CCAGTGCACAGAGGGGTTTGTCCAGCGCCACATGCCCACCATCCGGTGCCAGCCCAGCGG-3'
Protein context (NP_001356197.1, residues 2502-2522): DRYEINSLVR[Tyr2512Cys]QCTEGFVQRH

ClinVar aggregate classification (germline): Uncertain significance (1 of 4 stars; one submission).

Submission:

Labcorp Genetics (formerly Invitae), Labcorp
Classification: Uncertain significance. Last evaluated: 2023-11-01. Review status: criteria provided, single submitter. Criteria: Invitae Variant Classification Sherloc (09022015). Collection method: clinical testing. Allele origin: germline.
Comment: This sequence change replaces tyrosine, which is neutral and polar, with cysteine, which is neutral and slightly polar, at codon 2474 of the ACAN protein (p.Tyr2474Cys). This variant is not present in population databases (gnomAD no frequency). This variant has not been reported in the literature in individuals affected with ACAN-related conditions. An algorithm developed to predict the effect of missense changes on protein structure and function (PolyPhen-2) suggests that this variant is likely to be disruptive. In summary, the available evidence is currently insufficient to determine the role of this variant in disease. Therefore, it has been classified as a Variant of Uncertain Significance.